The following is an entry in ClinVar:

NM_001178015.2(SLC4A10):c.767-1G>A

Gene: SLC4A10 (solute carrier family 4 member 10; plus strand). Cytogenetic location: 2q24.2.
Variant type: single nucleotide variant.
Coding change: c.767-1G>A on transcript NM_001178015.2 (MANE Select); the canonical splice acceptor site of the intron before coding-DNA position 767, G replaced by A.
Molecular consequence: splice acceptor variant. On other transcripts: intron variant (4).
Genome position (GRCh38, 1-based): chr2:161,872,292, G>A. VCF-style: chr2-161872292-G-A. GRCh37 (hg19) VCF-style: chr2-162728802-G-A.
Other names: c.803-1G>A (NM_001354461.2, NM_001354447.2, NM_001354460.2 and 1 more transcripts); c.800-1G>A (NM_001354441.2, NM_001354442.2, NM_001178016.2 and 1 more transcripts); c.800-4G>A (NM_001354448.2); c.188-1G>A (NM_001354455.2); c.767-1G>A (NM_001354440.2, NM_022058.4, NM_001354450.2 and 1 more transcripts); c.767-4G>A (NM_001354444.2, NM_001354449.2, NM_001354451.2); c.620-1G>A (NM_001354453.2).
Identifiers: ClinVar variation 5006106 (VCV005006106.2).

ClinVar aggregate classification (germline): Likely pathogenic (1 of 4 stars; one submission).

Conditions:
Neurodevelopmental disorder with hypotonia and characteristic brain abnormalities (NEDHBA). Identifiers: Orphanet 664430, MedGen C5935589, MONDO:0958278, OMIM 620746.

gnomAD v4.1: 17 of 1,611,454 alleles (0.0011%); highest among the groups gnomAD compares: East Asian, 0.033%; no homozygotes.

Submission:

Juno Genomics, Hangzhou Juno Genomics, Inc
Classification: Likely pathogenic for Neurodevelopmental disorder with hypotonia and characteristic brain abnormalities. Review status: criteria provided, single submitter. Criteria: ACMG Guidelines, 2015. Collection method: clinical testing. Allele origin: germline.
Comment: Null variant in a gene where loss of function (LOF) is a known mechanism of disease.;Absent from controls (or at extremely low frequency if recessive) in Genome Aggregation Database.